The following is an entry in ClinVar:

ClinVar aggregate classification (germline): Likely benign. Review status: criteria provided, multiple submitters, no conflicts (2 of 4 stars). 2 submissions from 2 submitters: Likely benign (2). Last evaluated 2026-07-24.

Conditions:
Cardiovascular phenotype. Identifiers: MedGen CN230736.
ABCG8-related disorder. Also called: ABCG8-related condition.

gnomAD v4.1: 1 of 1,614,078 alleles (0.000062%); highest among the groups gnomAD compares: Non-Finnish European, 0.000085%; no homozygotes.

Submissions (2):

Ambry Genetics
Classification: Likely benign for Cardiovascular phenotype. Last evaluated: 2026-07-24. Review status: criteria provided, single submitter. Criteria: Ambry Variant Classification Scheme 2023. Collection method: clinical testing. Allele origin: germline.

PreventionGenetics, part of Exact Sciences
Classification: Likely benign for ABCG8-related condition. Last evaluated: 2025-08-04. Review status: criteria provided, single submitter. Criteria: ACMG Guidelines, 2015. Collection method: clinical testing. Allele origin: germline.
Comment: This variant is classified as likely benign based on ACMG/AMP sequence variant interpretation guidelines (Richards et al. 2015 PMID: 25741868, with internal and published modifications).

NM_022437.3(ABCG8):c.1974C>T (p.Tyr658=)

Gene: ABCG8 (ATP binding cassette subfamily G member 8; plus strand). Cytogenetic location: 2p21.
Variant type: single nucleotide variant.
Coding change: c.1974C>T on transcript NM_022437.3 (MANE Select); coding-DNA position 1974, C replaced by T.
Protein change: p.Tyr658=; no amino-acid change (tyrosine 658 retained).
Molecular consequence: synonymous variant.
Genome position (GRCh38, 1-based): chr2:43,877,865, C>T. VCF-style: chr2-43877865-C-T. GRCh37 (hg19) VCF-style: chr2-44105004-C-T.
Other names: c.1971C>T, p.Tyr657= (NM_001357321.2).
Identifiers: ClinVar variation 5002465 (VCV005002465.2).